The following is an entry in ClinVar:

ClinVar aggregate classification (germline): Uncertain significance. Review status: criteria provided, multiple submitters, no conflicts (2 of 4 stars). 2 submissions from 2 submitters: Uncertain significance (2). Last evaluated 2025-09-25.

Conditions:
Inborn genetic diseases. Identifiers: MedGen C0950123, MeSH D030342.
Megalencephaly-polymicrogyria-postaxial polydactyly-hydrocephalus syndrome. Also called: MPPH Syndrome; MEG-PMG-MEGACC SYNDROME. Identifiers: Orphanet 83473, MedGen C1863924, MONDO:0019375.

Allele frequency attached by ClinVar (database versions not stated): gnomAD exomes 0.00001; gnomAD 0.00007; TOPMed 0.00008.
gnomAD v4.1: 18 of 1,460,944 alleles (0.0012%); highest among the groups gnomAD compares: African/African-American, 0.027%; no homozygotes.

Submissions (2):

Labcorp Genetics (formerly Invitae), Labcorp
Classification: Uncertain significance for Megalencephaly-polymicrogyria-postaxial polydactyly-hydrocephalus syndrome. Last evaluated: 2025-09-25. Review status: criteria provided, single submitter. Criteria: Invitae Variant Classification Sherloc (09022015). Collection method: clinical testing. Allele origin: germline.
Comment: This sequence change replaces aspartic acid, which is acidic and polar, with alanine, which is neutral and non-polar, at codon 102 of the PIK3R2 protein (p.Asp102Ala). This variant is present in population databases (no rsID available, gnomAD 0.007%). This variant has not been reported in the literature in individuals affected with PIK3R2-related conditions. ClinVar contains an entry for this variant (Variation ID: 2262556). Invitae Evidence Modeling of protein sequence and biophysical properties (such as structural, functional, and spatial information, amino acid conservation, physicochemical variation, residue mobility, and thermodynamic stability) indicates that this missense variant is not expected to disrupt PIK3R2 protein function with a negative predictive value of 80%. In summary, the available evidence is currently insufficient to determine the role of this variant in disease. Therefore, it has been classified as a Variant of Uncertain Significance.

Ambry Genetics
Classification: Uncertain significance for Inborn genetic diseases. Last evaluated: 2021-10-22. Review status: criteria provided, single submitter. Criteria: Ambry Variant Classification Scheme 2023. Collection method: clinical testing. Allele origin: germline.

NM_005027.4(PIK3R2):c.305A>C (p.Asp102Ala)

Gene: PIK3R2 (phosphoinositide-3-kinase regulatory subunit 2; plus strand). Cytogenetic location: 19p13.11.
Variant type: single nucleotide variant.
Coding change: c.305A>C on transcript NM_005027.4 (MANE Select); coding-DNA position 305, A replaced by C.
Protein change: p.Asp102Ala; replaces aspartic acid 102 with alanine.
Molecular consequence: missense variant. On other transcripts: non-coding transcript variant (2).
Genome position (GRCh38, 1-based): chr19:18,156,184, A>C. VCF-style: chr19-18156184-A-C. GRCh37 (hg19) VCF-style: chr19-18266994-A-C.
Other names: short protein forms D102A.
Identifiers: ClinVar variation 2262556 (VCV002262556.3), dbSNP rs952018297, ClinGen allele CA306164064.